The following is an entry in ClinVar:

ClinVar aggregate classification (germline): Conflicting classifications of pathogenicity. Review status: criteria provided, conflicting classifications (1 of 4 stars). 8 submissions from 8 submitters: Uncertain significance (5); Likely benign (2). 1 of the submissions does not count toward it. Last evaluated 2026-01-13.

Conditions:
MET-related disorder. Also called: MET-related condition.
Autosomal recessive nonsyndromic hearing loss 97. Also called: Deafness, autosomal recessive 97. Identifiers: Orphanet 90636, MedGen C4084709, MONDO:0014739, OMIM 616705.
Renal cell carcinoma. Identifiers: Orphanet 217071, MedGen C0007134, MeSH D002292, MONDO:0005086, HP:0005584.
Hereditary cancer-predisposing syndrome. Also called: Hereditary neoplastic syndrome; Tumor predisposition; Hereditary Cancer Syndrome; Neoplastic Syndromes, Hereditary. Identifiers: Orphanet 140162, MedGen C0027672, MeSH D009386, MONDO:0015356.
Papillary renal cell carcinoma type 1 (RCCP1). Also called: Renal adenocarcinoma; Renal cell carcinoma 1; Renal cell carcinoma, somatic; RENAL CELL CARCINOMA, PAPILLARY, 1, SOMATIC. Identifiers: Orphanet 47044, MedGen C1336839, OMIM 605074, HP:0011797.

Allele frequency attached by ClinVar (database versions not stated): ExAC 0.00003; gnomAD exomes 0.00003; gnomAD 0.00005; TOPMed 0.00007; 1000 Genomes Project 30x 0.00016; 1000 Genomes Project 0.00020.
gnomAD v4.1: 60 of 1,596,674 alleles (0.0038%); highest among the groups gnomAD compares: African/African-American, 0.0094%; no homozygotes.

Submissions (8):

Labcorp Genetics (formerly Invitae), Labcorp
Classification: Likely benign for Renal cell carcinoma. Last evaluated: 2026-01-13. Review status: criteria provided, single submitter. Criteria: Invitae Variant Classification Sherloc (09022015). Collection method: clinical testing. Allele origin: germline.

Center for Genomic Medicine, Rigshospitalet, Copenhagen University Hospital
Classification: Uncertain significance. Last evaluated: 2025-03-04. Review status: criteria provided, single submitter. Criteria: ACMG Guidelines, 2015. Collection method: clinical testing. Allele origin: germline.

St. Jude Molecular Pathology, St. Jude Children's Research Hospital
Classification: Uncertain significance for Papillary renal cell carcinoma type 1. Last evaluated: 2024-09-16. Review status: criteria provided, single submitter. Criteria: St. Jude Assertion Criteria 2020. Collection method: clinical testing. Allele origin: germline.
Comment: The MET c.1063G>A (p.Glu355Lys)? missense change has a maximum subpopulation frequency of 0.01% in gnomAD v2.1.1. The in silico tool REVEL is inconclusive about a pathogenic or benign effect of this variant on protein function, and to our knowledge functional studies have not been performed. To our knowledge, this variant has not been reported in individuals with hereditary papillary renal cell carcinoma. In summary, the evidence currently available is insufficient to determine the clinical significance of this variant. It has therefore been classified as of uncertain significance.??

Quest Diagnostics Nichols Institute San Juan Capistrano
Classification: Uncertain significance. Last evaluated: 2024-08-24. Review status: criteria provided, single submitter. Criteria: Quest Diagnostics criteria. Collection method: clinical testing. Allele origin: unknown.

Baylor Genetics
Classification: Uncertain significance for Autosomal recessive nonsyndromic hearing loss 97. Last evaluated: 2023-08-28. Review status: criteria provided, single submitter. Criteria: ACMG Guidelines, 2015. Collection method: clinical testing. Allele origin: unknown.

GeneDx
Classification: Uncertain significance. Last evaluated: 2023-06-06. Review status: criteria provided, single submitter. Criteria: GeneDx Variant Classification Process June 2021. Collection method: clinical testing. Allele origin: germline. Affected: yes.
Comment: In silico analysis supports that this missense variant does not alter protein structure/function; Has not been previously published as pathogenic or benign to our knowledge; This variant is associated with the following publications: (PMID: 19723643, 20139696, 21904579)

Ambry Genetics
Classification: Likely benign for Hereditary cancer-predisposing syndrome. Last evaluated: 2019-12-30. Review status: criteria provided, single submitter. Criteria: Ambry Variant Classification Scheme 2023. Collection method: clinical testing. Allele origin: germline.

PreventionGenetics, part of Exact Sciences
Classification: Likely benign for MET-related condition. Last evaluated: 2024-09-03. Review status: no assertion criteria provided. Collection method: clinical testing. Allele origin: germline. Not counted in ClinVar's aggregate classification.
Comment: This variant is classified as likely benign based on ACMG/AMP sequence variant interpretation guidelines (Richards et al. 2015 PMID: 25741868, with internal and published modifications).

Literature cited by the submitters: PubMed 19723643 (cited by Quest Diagnostics Nichols Institute San Juan Capistrano and Ambry Genetics); PubMed 20139696 (cited by Quest Diagnostics Nichols Institute San Juan Capistrano and Ambry Genetics); PubMed 21904579 (cited by Quest Diagnostics Nichols Institute San Juan Capistrano and Ambry Genetics).

NM_000245.4(MET):c.1063G>A (p.Glu355Lys)

Gene: MET (MET proto-oncogene, receptor tyrosine kinase; plus strand). Cytogenetic location: 7q31.2.
Variant type: single nucleotide variant.
Coding change: c.1063G>A on transcript NM_000245.4 (MANE Select); coding-DNA position 1063, G replaced by A.
Protein change: p.Glu355Lys; replaces glutamic acid 355 with lysine.
Molecular consequence: missense variant. On other transcripts: intron variant (1).
Genome position (GRCh38, 1-based): chr7:116,700,147, G>A. VCF-style: chr7-116700147-G-A. GRCh37 (hg19) VCF-style: chr7-116340201-G-A.
Other names: c.1063G>A, p.Glu355Lys (NM_001127500.3, NM_001324401.3); c.-91+27570G>A (NM_001324402.2); c.1063G>A (NM_001127500.2); short protein forms E355K.
Identifiers: ClinVar variation 219769 (VCV000219769.19), dbSNP rs561295443, ClinGen allele CA349838.